The following is an entry in ClinVar:

ClinVar aggregate classification (germline): Uncertain significance (1 of 4 stars; one submission).

Submission:

Labcorp Genetics (formerly Invitae), Labcorp
Classification: Uncertain significance. Last evaluated: 2022-03-26. Review status: criteria provided, single submitter. Criteria: Invitae Variant Classification Sherloc (09022015). Collection method: clinical testing. Allele origin: germline.
Comment: In summary, the available evidence is currently insufficient to determine the role of this variant in disease. Therefore, it has been classified as a Variant of Uncertain Significance. Experimental studies and prediction algorithms are not available or were not evaluated, and the functional significance of this variant is currently unknown. This variant has not been reported in the literature in individuals affected with ARMC9-related conditions. This variant is not present in population databases (gnomAD no frequency). This sequence change replaces arginine, which is basic and polar, with glycine, which is neutral and non-polar, at codon 388 of the ARMC9 protein (p.Arg388Gly).

NM_001352754.2(ARMC9):c.1162C>G (p.Arg388Gly)

Gene: ARMC9 (armadillo repeat containing 9; plus strand). Cytogenetic location: 2q37.1.
Variant type: single nucleotide variant.
Coding change: c.1162C>G on transcript NM_001352754.2 (MANE Select); coding-DNA position 1162, C replaced by G.
Protein change: p.Arg388Gly; replaces arginine 388 with glycine.
Molecular consequence: missense variant. On other transcripts: non-coding transcript variant (1).
Genome position (GRCh38, 1-based): chr2:231,271,024, C>G. VCF-style: chr2-231271024-C-G. GRCh37 (hg19) VCF-style: chr2-232135737-C-G.
Other names: c.1162C>G, p.Arg388Gly (NM_001271466.4, NM_001291656.2, NM_001352755.2 and 3 more transcripts); c.1063C>G, p.Arg355Gly (NM_001352757.2, NM_001352758.2); short protein forms R355G, R388G.
Identifiers: ClinVar variation 2113862 (VCV002113862.4), dbSNP rs200265998, ClinGen allele CA350953692.
Genomic context (GRCh38, chr2:231,271,024, plus strand): 5'-CTTGACGTTTTCCCCCAGAGGAGTGTGCTTCAGTTGCTGCACTCCACGAGCGACGTGGTG[C>G]GGCAGTACATGGCCAGGCTCATCAATGCTTTTGCGTCACTGGCAGAAGGTGAGACATCAG-3'
Protein context (NP_001339683.2, residues 378-398): QLLHSTSDVV[Arg388Gly]QYMARLINAF